The following is an entry in ClinVar:

ClinVar aggregate classification (germline): Uncertain significance (1 of 4 stars; one submission).

Conditions:
TUBB4A-related disorder. Also called: TUBB4A-related condition.

Submission:

PreventionGenetics, part of Exact Sciences
Classification: Uncertain significance for TUBB4A-related condition. Last evaluated: 2025-02-18. Review status: criteria provided, single submitter. Criteria: ACMG Guidelines, 2015. Collection method: clinical testing. Allele origin: germline.
Comment: The TUBB4A c.784C>T variant is predicted to result in the amino acid substitution p.Arg262Cys. To our knowledge, this variant has not been reported in the literature or in a large population database (gnomAD), indicating this variant is rare. At this time, the clinical significance of this variant is uncertain due to the absence of conclusive functional and genetic evidence.

NM_006087.4(TUBB4A):c.784C>T (p.Arg262Cys)

Gene: TUBB4A (tubulin beta 4A class IVa; minus strand). Cytogenetic location: 19p13.3.
Variant type: single nucleotide variant.
Coding change: c.784C>T on transcript NM_006087.4 (MANE Select); coding-DNA position 784, C replaced by T.
Protein change: p.Arg262Cys; replaces arginine 262 with cysteine.
Molecular consequence: missense variant.
Genome position (GRCh38, 1-based): chr19:6,495,715, G>A on the plus strand (C>T on the coding strand, the complement: TUBB4A is on the minus strand). VCF-style: chr19-6495715-G-A. GRCh37 (hg19) VCF-style: chr19-6495726-G-A.
Other names: c.784C>T (NM_006087.3); c.937C>T, p.Arg313Cys (NM_001289123.2); c.919C>T, p.Arg307Cys (NM_001289127.2); c.784C>T, p.Arg262Cys (NM_001289129.2); c.568C>T, p.Arg190Cys (NM_001289130.2, NM_001289131.2); short protein forms R190C, R262C, R307C, R313C.
Identifiers: ClinVar variation 5002223 (VCV005002223.1).